The following is an entry in ClinVar:

ClinVar aggregate classification (germline): Likely benign. Review status: criteria provided, multiple submitters, no conflicts (2 of 4 stars). 5 submissions from 5 submitters: Likely benign (5). Last evaluated 2026-01-16.

Conditions:
Compton-North congenital myopathy (CMYO12). Identifiers: Orphanet 210163, MedGen C2675527, MONDO:0012929, OMIM 612540.

Allele frequency attached by ClinVar (database versions not stated): 1000 Genomes Project 30x 0.00047; 1000 Genomes Project 0.00060; ESP Exome Variant Server 0.00092; gnomAD exomes 0.00092 and 0.00124; ExAC 0.00094; TOPMed 0.00096; gnomAD 0.00105.
gnomAD v4.1: 1,953 of 1,613,438 alleles (0.12%); highest among the groups gnomAD compares: Non-Finnish European, 0.15%; 2 homozygotes.

Submissions (5):

Labcorp Genetics (formerly Invitae), Labcorp
Classification: Likely benign for Compton-North congenital myopathy. Last evaluated: 2026-01-16. Review status: criteria provided, single submitter. Criteria: Invitae Variant Classification Sherloc (09022015). Collection method: clinical testing. Allele origin: germline.

Blueprint Genetics
Classification: Likely benign. Last evaluated: 2024-10-31. Review status: criteria provided, single submitter. Criteria: ACMG Guidelines, 2015. Collection method: clinical testing. Allele origin: germline.

Fulgent Genetics
Classification: Likely benign for Compton-North congenital myopathy. Last evaluated: 2021-09-20. Review status: criteria provided, single submitter. Criteria: ACMG Guidelines, 2015. Collection method: clinical testing. Allele origin: unknown.

GeneDx
Classification: Likely benign. Last evaluated: 2017-01-03. Review status: criteria provided, single submitter. Criteria: GeneDx Variant Classification (06012015). Collection method: clinical testing. Allele origin: germline. Affected: yes.
Comment: This variant is considered likely benign or benign based on one or more of the following criteria: it is a conservative change, it occurs at a poorly conserved position in the protein, it is predicted to be benign by multiple in silico algorithms, and/or has population frequency not consistent with disease.

PreventionGenetics, part of Exact Sciences
Classification: Likely benign. Review status: criteria provided, single submitter. Criteria: ACMG Guidelines, 2015. Collection method: clinical testing. Allele origin: germline.

NM_001843.4(CNTN1):c.400+13T>C

Gene: CNTN1 (contactin 1; plus strand). Cytogenetic location: 12q12.
Variant type: single nucleotide variant.
Coding change: c.400+13T>C on transcript NM_001843.4 (MANE Select); 13 bases into the intron after coding-DNA position 400, T replaced by C.
Molecular consequence: intron variant.
Genome position (GRCh38, 1-based): chr12:40,922,441, T>C. VCF-style: chr12-40922441-T-C. GRCh37 (hg19) VCF-style: chr12-41316243-T-C.
Other names: c.400+13T>C (NM_001256063.2, NM_001256064.2); c.367+13T>C (NM_175038.2).
Identifiers: ClinVar variation 258200 (VCV000258200.16), dbSNP rs201396853, ClinGen allele CA6516595.